The following is an entry in ClinVar:

ClinVar aggregate classification (germline): Uncertain significance. Review status: criteria provided, multiple submitters, no conflicts (2 of 4 stars). 2 submissions from 2 submitters: Uncertain significance (2). Last evaluated 2023-02-20.

Submissions (2):

Women's Health and Genetics/Laboratory Corporation of America, LabCorp
Classification: Uncertain significance. Last evaluated: 2023-02-20. Review status: criteria provided, single submitter. Criteria: LabCorp Variant Classification Summary - May 2015. Collection method: clinical testing. Allele origin: germline.
Comment: Variant summary: SYNE4 c.1173delC (p.Tyr392ThrfsX26) causes a frameshift which results in the disruption of the last 13 amino acids of the protein and an extension of the protein by 12 amino acids. The variant allele was found at a frequency of 8e-06 in 248954 control chromosomes. To our knowledge, no occurrence of c.1173delC in individuals affected with Nonsyndromic Hearing Loss And Deafness, Type 76 and no experimental evidence demonstrating its impact on protein function have been reported. One clinical diagnostic laboratory has submitted clinical-significance assessments for this variant to ClinVar after 2014 without evidence for independent evaluation. One laboratory classified the variant as uncertain significance. Based on the evidence outlined above, the variant was classified as VUS.

Labcorp Genetics (formerly Invitae), Labcorp
Classification: Uncertain significance. Last evaluated: 2021-08-31. Review status: criteria provided, single submitter. Criteria: Invitae Variant Classification Sherloc (09022015). Collection method: clinical testing. Allele origin: germline.
Comment: This sequence change results in a frameshift in the SYNE4 gene (p.Tyr392Thrfs*26). While this is not anticipated to result in nonsense mediated decay, it is expected to disrupt the last 13 amino acid(s) of the SYNE4 protein and extend the protein by 12 additional amino acid residues. This variant is not present in population databases (ExAC no frequency). This variant has not been reported in the literature in individuals with SYNE4-related conditions. In summary, the available evidence is currently insufficient to determine the role of this variant in disease. Therefore, it has been classified as a Variant of Uncertain Significance.

NM_001039876.3(SYNE4):c.1173del (p.Tyr392fs)

Gene: SYNE4 (spectrin repeat containing nuclear envelope family member 4; minus strand). Cytogenetic location: 19q13.12.
Variant type: Deletion.
Coding change: c.1173del on transcript NM_001039876.3 (MANE Select); coding-DNA position 1173, one base deleted (C; older notation c.1173delC).
Protein change: p.Tyr392fs; shifts the reading frame from tyrosine 392.
Molecular consequence: frameshift variant.
Genome position (GRCh38, 1-based): chr19:36,003,379, G deleted on the plus strand (C on the coding strand, the reverse complement: SYNE4 is on the minus strand); the first of 3 consecutive G bases (chr19:36,003,379-36,003,381); deleting any one gives the same sequence. VCF-style (leftmost placement, unchanged base first): chr19-36003378-AG-A. GRCh37 (hg19) VCF-style: chr19-36494280-AG-A.
Other names: c.834del, p.Tyr279fs (NM_001297735.3); c.1173delC (NM_001039876.2); short protein forms Y392fs, Y279fs.
Identifiers: ClinVar variation 1503703 (VCV001503703.5), dbSNP rs1326133563, ClinGen allele CA633061790.
Genomic context (GRCh38, chr19:36,003,378, plus strand): 5'-TGACCATTTATTACACACATCAGACTGGGGGAAGACCATTGACATAGCTGAGCACCAGGT[AG>A]GGTGTCCTGGGTATTCGGGCATGAGAGCAGCAGGGGCCTCCTGACGCGGGCAGGAGAAAC-3'